The following is an entry in ClinVar:

NM_001807.6(CEL):c.100G>C (p.Glu34Gln)

Gene: CEL (carboxyl ester lipase; plus strand). Cytogenetic location: 9q34.13.
Variant type: single nucleotide variant.
Coding change: c.100G>C on transcript NM_001807.6 (MANE Select); coding-DNA position 100, G replaced by C.
Protein change: p.Glu34Gln; replaces glutamic acid 34 with glutamine.
Molecular consequence: missense variant.
Genome position (GRCh38, 1-based): chr9:133,064,437, G>C. VCF-style: chr9-133064437-G-C. GRCh37 (hg19) VCF-style: chr9-135939824-G-C.
Other names: short protein forms E34Q.
Identifiers: ClinVar variation 4070604 (VCV004070604.1).
Genomic context (GRCh38, chr9:133,064,437, plus strand): 5'-CTGACCCTGCCCGTGTCTCCCTCGCAGCTGGGCGCCGTGTACACAGAAGGTGGGTTCGTG[G>C]AAGGCGTCAATAAGAAGCTCGGCCTCCTGGGTGACTCTGTGGACATCTTCAAGGGCATCC-3'
Protein context (NP_001798.3, residues 24-44): GAVYTEGGFV[Glu34Gln]GVNKKLGLLG

ClinVar aggregate classification (germline): Uncertain significance (1 of 4 stars; one submission).

gnomAD v4.1: 4 of 1,614,038 alleles (0.00025%); highest among the groups gnomAD compares: Non-Finnish European, 0.00034%; no homozygotes.

Submission:

GeneDx
Classification: Uncertain significance. Last evaluated: 2025-01-16. Review status: criteria provided, single submitter. Criteria: GeneDx Variant Classification Process June 2021. Collection method: clinical testing. Allele origin: germline. Affected: yes.
Comment: Not observed at significant frequency in large population cohorts (gnomAD); In silico analysis indicates that this missense variant does not alter protein structure/function; Has not been previously published as pathogenic or benign to our knowledge